The following is an entry in ClinVar:

NM_001009944.3(PKD1):c.6340T>C (p.Tyr2114His)

Gene: PKD1 (polycystin 1, transient receptor potential channel interacting; minus strand). Cytogenetic location: 16p13.3.
Variant type: single nucleotide variant.
Coding change: c.6340T>C on transcript NM_001009944.3 (MANE Select); coding-DNA position 6340, T replaced by C.
Protein change: p.Tyr2114His; replaces tyrosine 2114 with histidine.
Molecular consequence: missense variant.
Genome position (GRCh38, 1-based): chr16:2,108,827, A>G on the plus strand (T>C on the coding strand, the complement: PKD1 is on the minus strand). VCF-style: chr16-2108827-A-G. GRCh37 (hg19) VCF-style: chr16-2158828-A-G.
Other names: c.6340T>C, p.Tyr2114His (NM_000296.4); short protein forms Y2114H.
Identifiers: ClinVar variation 3342293 (VCV003342293.2).

ClinVar aggregate classification (germline): Uncertain significance. Review status: criteria provided, multiple submitters, no conflicts (2 of 4 stars). 2 submissions from 2 submitters: Uncertain significance (2). Last evaluated 2024-10-22.

Conditions:
Polycystic kidney disease, adult type (PKD1). Also called: Polycystic Kidney, Autosomal Dominant; POLYCYSTIC KIDNEY DISEASE 1 WITH OR WITHOUT POLYCYSTIC LIVER DISEASE; POLYCYSTIC KIDNEY DISEASE, ADULT, TYPE I; Polycystic Kidney Disease 1, Autosomal Dominant; Polycystic kidney disease 1; Polycystic kidney disease 1, severe. Identifiers: MedGen C3149841, MONDO:0008263, OMIM 173900.

Submissions (2):

MVZ Martinsried, Medicover Genetics
Classification: Uncertain significance for Polycystic kidney disease, adult type. Last evaluated: 2024-10-22. Review status: criteria provided, single submitter. Criteria: ACGS Guidelines, 2020. Collection method: clinical testing. Allele origin: unknown. Affected: yes.

MVZ Medizinische Genetik Mainz
Classification: Uncertain significance for Polycystic kidney disease, adult type. Last evaluated: 2024-08-30. Review status: criteria provided, single submitter. Criteria: UK Practice Guidelines For Variant Classification V4 01 2020. Collection method: clinical testing. Allele origin: germline. Inheritance: Autosomal dominant inheritance. Affected: yes. Observed: 1 variant allele.
Comment: ACMG Criteria: PP3_MOD,PM2_SUP,PM5_SUP,PP4